The following is an entry in ClinVar:

ClinVar aggregate classification (germline): Pathogenic (1 of 4 stars; one submission).

Conditions:
BAP1-related tumor predisposition syndrome (TPDS1). Also called: COMMON Syndrome; Tumor susceptibility linked to germline BAP1 mutations; TUMOR PREDISPOSITION SYNDROME 1; BAP1 tumor predisposition syndrome. Identifiers: Orphanet 289539, MedGen C3280492, MONDO:0013692, OMIM 614327.

Submission:

Labcorp Genetics (formerly Invitae), Labcorp
Classification: Pathogenic for BAP1-related tumor predisposition syndrome. Last evaluated: 2024-03-20. Review status: criteria provided, single submitter. Criteria: Invitae Variant Classification Sherloc (09022015). Collection method: clinical testing. Allele origin: germline.
Comment: This sequence change affects an acceptor splice site in intron 3 of the BAP1 gene. It is expected to disrupt RNA splicing. Variants that disrupt the donor or acceptor splice site typically lead to a loss of protein function (PMID: 16199547), and loss-of-function variants in BAP1 are known to be pathogenic (PMID: 21874000, 23684012). This variant is not present in population databases (gnomAD no frequency). Disruption of this splice site has been observed in individuals with BAP1-related cancer (PMID: 28062663, 31409087). ClinVar contains an entry for this variant (Variation ID: 412410). Algorithms developed to predict the effect of sequence changes on RNA splicing suggest that this variant may disrupt the consensus splice site. For these reasons, this variant has been classified as Pathogenic.

Literature cited by the submitters: PubMed 16199547; PubMed 21874000; PubMed 23684012; PubMed 28062663; PubMed 31409087.

NM_004656.4(BAP1):c.123-1G>C

Gene: BAP1 (BRCA1 associated deubiquitinase 1; minus strand). Cytogenetic location: 3p21.1.
Variant type: single nucleotide variant.
Coding change: c.123-1G>C on transcript NM_004656.4 (MANE Select); the canonical splice acceptor site of the intron before coding-DNA position 123, G replaced by C.
Molecular consequence: splice acceptor variant.
Genome position (GRCh38, 1-based): chr3:52,408,607, C>G on the plus strand (G>C on the coding strand, the complement: BAP1 is on the minus strand). VCF-style: chr3-52408607-C-G. GRCh37 (hg19) VCF-style: chr3-52442623-C-G.
Other names: c.123-1G>C (NM_001410772.1).
Identifiers: ClinVar variation 412410 (VCV000412410.5), dbSNP rs1060503732, ClinGen allele CA16611365.
Genomic context (GRCh38, chr3:52,408,607, plus strand): 5'-TTTCGCCGGGACCGGCGCTCTTCGATCCATTTGAACAGGAAGATAAATCCATATACAGGG[C>G]TGGGGGAAGTAAGGGGCAGAGCCAGATCAGCCAAAGGGGAGAAGACAATCAGCATTCCCT-3'